The following is an entry in ClinVar:

ClinVar aggregate classification (germline): Uncertain significance (1 of 4 stars; one submission).

Submission:

GeneDx
Classification: Uncertain significance. Last evaluated: 2026-03-05. Review status: criteria provided, single submitter. Criteria: GeneDx Variant Classification Process June 2021. Collection method: clinical testing. Allele origin: germline.
Comment: Not observed at significant frequency in large population cohorts (gnomAD); In silico analysis supports that this missense variant has a deleterious effect on protein structure/function; Has not been previously published as pathogenic or benign to our knowledge

NM_006421.5(ARFGEF1):c.1172A>G (p.Asp391Gly)

Gene: ARFGEF1 (ARF guanine nucleotide exchange factor 1; minus strand). Cytogenetic location: 8q13.2.
Variant type: single nucleotide variant.
Coding change: c.1172A>G on transcript NM_006421.5 (MANE Select); coding-DNA position 1172, A replaced by G.
Protein change: p.Asp391Gly; replaces aspartic acid 391 with glycine.
Molecular consequence: missense variant. On other transcripts: non-coding transcript variant (1), intron variant (1).
Genome position (GRCh38, 1-based): chr8:67,277,313, T>C on the plus strand (A>G on the coding strand, the complement: ARFGEF1 is on the minus strand). VCF-style: chr8-67277313-T-C. GRCh37 (hg19) VCF-style: chr8-68189548-T-C.
Other names: c.1172A>G, p.Asp391Gly (NM_001413184.1, NM_001413185.1, NM_001413186.1 and 7 more transcripts); c.572A>G, p.Asp191Gly (NM_001413188.1, NM_001413193.1, NM_001413197.1); c.-88-5377A>G (NM_001413196.1); short protein forms D191G, D391G.
Identifiers: ClinVar variation 5008418 (VCV005008418.1).